The following is an entry in ClinVar:

ClinVar aggregate classification (germline): Uncertain significance. Review status: criteria provided, multiple submitters, no conflicts (2 of 4 stars). 4 submissions from 4 submitters: Uncertain significance (4). Last evaluated 2024-12-14.

Conditions:
Hereditary cancer-predisposing syndrome. Also called: Neoplastic Syndromes, Hereditary; Hereditary neoplastic syndrome; Tumor predisposition; Hereditary Cancer Syndrome. Identifiers: Orphanet 140162, MedGen C0027672, MeSH D009386, MONDO:0015356.
Ataxia-telangiectasia syndrome (AT). Also called: Ataxia telangiectasia (A-T); Cerebello-oculocutaneous telangiectasia; Immunodeficiency with ataxia telangiectasia; LOUIS-BAR SYNDROME; AT, COMPLEMENTATION GROUP C; ATAXIA-TELANGIECTASIA, FRESNO VARIANT. Identifiers: Orphanet 100, MedGen C0004135, MONDO:0008840, OMIM 208900.

gnomAD v4.1: 2 of 1,612,488 alleles (0.00012%); highest among the groups gnomAD compares: South Asian, 0.0011%; no homozygotes.

Submissions (4):

Labcorp Genetics (formerly Invitae), Labcorp
Classification: Uncertain significance for Ataxia-telangiectasia syndrome. Last evaluated: 2024-12-14. Review status: criteria provided, single submitter. Criteria: Invitae Variant Classification Sherloc (09022015). Collection method: clinical testing. Allele origin: germline.
Comment: This sequence change replaces tyrosine, which is neutral and polar, with cysteine, which is neutral and slightly polar, at codon 2086 of the ATM protein (p.Tyr2086Cys). This variant is present in population databases (no rsID available, gnomAD 0.003%). This variant has not been reported in the literature in individuals affected with ATM-related conditions. ClinVar contains an entry for this variant (Variation ID: 232451). Invitae Evidence Modeling of protein sequence and biophysical properties (such as structural, functional, and spatial information, amino acid conservation, physicochemical variation, residue mobility, and thermodynamic stability) indicates that this missense variant is not expected to disrupt ATM protein function with a negative predictive value of 95%. In summary, the available evidence is currently insufficient to determine the role of this variant in disease. Therefore, it has been classified as a Variant of Uncertain Significance.

GeneDx
Classification: Uncertain significance. Last evaluated: 2024-03-17. Review status: criteria provided, single submitter. Criteria: GeneDx Variant Classification Process June 2021. Collection method: clinical testing. Allele origin: germline. Affected: yes.
Comment: Not observed at significant frequency in large population cohorts (gnomAD); In silico analysis supports that this missense variant does not alter protein structure/function; Has not been previously published as pathogenic or benign to our knowledge; This variant is associated with the following publications: (PMID: 23532176)

Color Diagnostics, LLC DBA Color Health
Classification: Uncertain significance for Hereditary cancer-predisposing syndrome. Last evaluated: 2023-12-04. Review status: criteria provided, single submitter. Criteria: ACMG Guidelines, 2015. Collection method: clinical testing. Allele origin: germline.
Comment: This missense variant replaces tyrosine with cysteine at codon 2086 of the ATM protein. Computational prediction suggests that this variant may not impact protein structure and function (internally defined REVEL score threshold <= 0.5, PMID: 27666373). To our knowledge, functional studies have not been reported for this variant. This variant has not been reported in individuals affected with ATM-related disorders in the literature. This variant has been identified in 1/251412 chromosomes in the general population by the Genome Aggregation Database (gnomAD). The available evidence is insufficient to determine the role of this variant in disease conclusively. Therefore, this variant is classified as a Variant of Uncertain Significance.

Ambry Genetics
Classification: Uncertain significance for Hereditary cancer-predisposing syndrome. Last evaluated: 2015-06-22. Review status: criteria provided, single submitter. Criteria: Ambry Variant Classification Scheme 2023. Collection method: clinical testing. Allele origin: germline.
Comment: The p.Y2086C variant (also known as c.6257A>G), located in coding exon 42 of the ATM gene, results from an A to G substitution at nucleotide position 6257. The tyrosine at codon 2086 is replaced by cysteine, an amino acid with highly dissimilar properties. This variant was not reported in population based cohorts in the following databases: Database of Single Nucleotide Polymorphisms (dbSNP), NHLBI Exome Sequencing Project (ESP), and 1000 Genomes Project. In the ESP, this variant was not observed in 6499 samples (12998 alleles) with coverage at this position. To date, this alteration has been detected with an allele frequency of approximately 0.002% (greater than 65000 alleles tested) in our clinical cohort. This amino acid position is poorly conserved in available vertebrate species. In addition, this alteration is predicted to be tolerated by in silico analysis. Since supporting evidence is limited at this time, the clinical significance of p.Y2086C remains unclear.

NM_000051.4(ATM):c.6257A>G (p.Tyr2086Cys)

Genes: ATM (ATM serine/threonine kinase; plus strand), C11orf65 (chromosome 11 open reading frame 65; minus strand). Cytogenetic location: 11q22.3.
Variant type: single nucleotide variant.
Coding change: c.6257A>G on transcript NM_000051.4 (MANE Select); coding-DNA position 6257, A replaced by G.
Protein change: p.Tyr2086Cys; replaces tyrosine 2086 with cysteine.
Molecular consequence: missense variant. On other transcripts: intron variant (2).
Genome position (GRCh38, 1-based): chr11:108,317,431, A>G. VCF-style: chr11-108317431-A-G. GRCh37 (hg19) VCF-style: chr11-108188158-A-G.
Other names: c.6257A>G, p.Tyr2086Cys (NM_001351834.2); c.641-8360T>C (NM_001330368.2); c.*39-8360T>C (NM_001351110.2); short protein forms Y2086C.
Identifiers: ClinVar variation 232451 (VCV000232451.19), dbSNP rs730881380, ClinGen allele CA10579216.